The following is an entry in ClinVar:

ClinVar aggregate classification (germline): Benign/Likely benign. Review status: criteria provided, multiple submitters, no conflicts (2 of 4 stars). 10 submissions from 10 submitters: Benign (6); Likely benign (2). 2 of the submissions do not count toward it. Last evaluated 2026-01-19.

Conditions:
Dilated cardiomyopathy 1CC (CMD1CC). Identifiers: Orphanet 154, MedGen C2751084, MONDO:0013147, OMIM 613122.
Hypertrophic cardiomyopathy 20. Identifiers: MedGen C3151267, MONDO:0013477, OMIM 613876.
Cardiomyopathy (CMYO). Also called: Cardiomyopathies. Identifiers: Orphanet 167848, MedGen C0878544, MONDO:0004994, HP:0001638. Inheritance: Various modes of inheritance.
Cardiovascular phenotype. Identifiers: MedGen CN230736.

Allele frequency attached by ClinVar (database versions not stated): ESP Exome Variant Server 0.00076; 1000 Genomes Project 30x 0.00078; gnomAD 0.00117 and 0.00128; TOPMed 0.00117; gnomAD exomes 0.00030; ExAC 0.00038; 1000 Genomes Project 0.00060.
gnomAD v4.1: 372 of 1,610,948 alleles (0.023%); highest among the groups gnomAD compares: African/African-American, 0.41%; 1 homozygote.

Submissions (10):

Labcorp Genetics (formerly Invitae), Labcorp
Classification: Benign for Dilated cardiomyopathy 1CC; Hypertrophic cardiomyopathy 20. Last evaluated: 2026-01-19. Review status: criteria provided, single submitter. Criteria: Invitae Variant Classification Sherloc (09022015). Collection method: clinical testing. Allele origin: germline.

Women's Health and Genetics/Laboratory Corporation of America, LabCorp
Classification: Benign. Last evaluated: 2025-06-16. Review status: criteria provided, single submitter. Criteria: LabCorp Variant Classification Summary - May 2015. Collection method: clinical testing. Allele origin: germline.

Mayo Clinic Laboratories, Mayo Clinic
Classification: Benign. Last evaluated: 2024-10-22. Review status: criteria provided, single submitter. Criteria: ACMG Guidelines, 2015. Collection method: clinical testing. Allele origin: germline. Observed: 2 variant alleles.
Comment: BS1, BP4, BP5, BP7

Blueprint Genetics
Classification: Likely benign. Last evaluated: 2024-08-20. Review status: criteria provided, single submitter. Criteria: ACMG Guidelines, 2015. Collection method: clinical testing. Allele origin: germline.

CHEO Genetics Diagnostic Laboratory, Children's Hospital of Eastern Ontario
Classification: Benign for Cardiomyopathy. Last evaluated: 2018-03-29. Review status: criteria provided, single submitter. Criteria: ACMG Guidelines, 2015. Collection method: clinical testing. Allele origin: germline.

Ambry Genetics
Classification: Likely benign for Cardiovascular phenotype. Last evaluated: 2015-09-10. Review status: criteria provided, single submitter. Criteria: Ambry Variant Classification Scheme 2023. Collection method: clinical testing. Allele origin: germline.

GeneDx
Classification: Benign. Last evaluated: 2015-04-07. Review status: criteria provided, single submitter. Criteria: GeneDx Variant Classification (06012015). Collection method: clinical testing. Allele origin: germline. Affected: yes.
Comment: This variant is considered likely benign or benign based on one or more of the following criteria: it is a conservative change, it occurs at a poorly conserved position in the protein, it is predicted to be benign by multiple in silico algorithms, and/or has population frequency not consistent with disease.

Laboratory for Molecular Medicine, Mass General Brigham Personalized Medicine
Classification: Benign. Last evaluated: 2015-03-21. Review status: criteria provided, single submitter. Criteria: LMM Criteria. Collection method: clinical testing. Allele origin: germline. Observed: 2 variant alleles.
Comment: p.Asp52Asp in exon 3 of NEXN: This variant is not expected to have clinical sign ificance because it does not alter an amino acid residue, is not located within the splice consensus sequence, and has been identified in 0.4% (43/9728) of Afri can chromosomes by the Exome Aggregation Consortium (ExAC; dbSNP rs371431782).

Clinical Genetics DNA and cytogenetics Diagnostics Lab, Erasmus MC, Erasmus Medical Center
Classification: Likely benign. Review status: no assertion criteria provided. Collection method: clinical testing. Allele origin: germline. Affected: yes. Study: VKGL Data-share Consensus. Not counted in ClinVar's aggregate classification.

Clinical Genetics, Academic Medical Center
Classification: Benign. Review status: no assertion criteria provided. Collection method: clinical testing. Allele origin: germline. Affected: yes. Study: VKGL Data-share Consensus. Not counted in ClinVar's aggregate classification.

NM_144573.4(NEXN):c.156C>T (p.Asp52=)

Gene: NEXN (nexilin F-actin binding protein; plus strand). Cytogenetic location: 1p31.1.
Variant type: single nucleotide variant.
Coding change: c.156C>T on transcript NM_144573.4 (MANE Select); coding-DNA position 156, C replaced by T.
Protein change: p.Asp52=; no amino-acid change (aspartic acid 52 retained).
Molecular consequence: synonymous variant. On other transcripts: intron variant (1).
Genome position (GRCh38, 1-based): chr1:77,917,694, C>T. VCF-style: chr1-77917694-C-T. GRCh37 (hg19) VCF-style: chr1-78383379-C-T.
Other names: p.Asp52=; c.28-266C>T (NM_001172309.2).
Identifiers: ClinVar variation 226849 (VCV000226849.27), dbSNP rs371431782, ClinGen allele CA918569.